The following is an entry in ClinVar:

NM_017986.4(SLC52A1):c.433C>T (p.Arg145Trp)

Gene: SLC52A1 (solute carrier family 52 member 1; minus strand). Cytogenetic location: 17p13.2.
Variant type: single nucleotide variant.
Coding change: c.433C>T on transcript NM_017986.4 (MANE Select); coding-DNA position 433, C replaced by T.
Protein change: p.Arg145Trp; replaces arginine 145 with tryptophan.
Molecular consequence: missense variant.
Genome position (GRCh38, 1-based): chr17:5,034,056, G>A on the plus strand (C>T on the coding strand, the complement: SLC52A1 is on the minus strand). VCF-style: chr17-5034056-G-A. GRCh37 (hg19) VCF-style: chr17-4937351-G-A.
Other names: c.433C>T, p.Arg145Trp (NM_001104577.2); short protein forms R145W.
Identifiers: ClinVar variation 1981451 (VCV001981451.4), dbSNP rs56126318, ClinGen allele CA8319793.

ClinVar aggregate classification (germline): Uncertain significance (1 of 4 stars; one submission).

Conditions:
Vitamin B2 deficiency. Identifiers: MedGen C0035528.

Submission:

Labcorp Genetics (formerly Invitae), Labcorp
Classification: Uncertain significance for Vitamin B2 deficiency. Last evaluated: 2022-02-23. Review status: criteria provided, single submitter. Criteria: Invitae Variant Classification Sherloc (09022015). Collection method: clinical testing. Allele origin: germline.
Comment: This sequence change replaces arginine, which is basic and polar, with tryptophan, which is neutral and slightly polar, at codon 145 of the SLC52A1 protein (p.Arg145Trp). In summary, the available evidence is currently insufficient to determine the role of this variant in disease. Therefore, it has been classified as a Variant of Uncertain Significance. Algorithms developed to predict the effect of missense changes on protein structure and function are either unavailable or do not agree on the potential impact of this missense change (SIFT: "Deleterious"; PolyPhen-2: "Probably Damaging"; Align-GVGD: "Class C15"). This variant has not been reported in the literature in individuals affected with SLC52A1-related conditions. This variant is present in population databases (rs56126318, gnomAD 0.01%).